The following is an entry in ClinVar:

ClinVar aggregate classification (germline): Pathogenic (1 of 4 stars; one submission).

Conditions:
Intellectual disability-microcephaly-strabismus-behavioral abnormalities syndrome. Also called: White-Sutton Syndrome. Identifiers: Orphanet 468678, MedGen C4225351, MONDO:0014606, OMIM 616364.

Submission:

Suzhou Clinical Center for Rare Diseases in Children, Children's Hospital of Soochow University
Classification: Pathogenic for Intellectual disability-microcephaly-strabismus-behavioral abnormalities syndrome. Last evaluated: 2024-09-01. Review status: criteria provided, single submitter. Criteria: ACMG Guidelines, 2015. Collection method: clinical testing. Allele origin: de novo. Affected: yes.
Comment: The NM_015100.4:c.1463del (p.Pro488LeufsTer16) variant of POGZ is a frameshift mutation that may lead to an early termination and NMD (PVS1). The gnomAD database does not document the frequency of this variant in the population (PM2_Supporting). According to the ACMG guidelines, this variant is interpreted as pathogenic (PVS1+PS2_Supporting+PM2_Supporting).

NM_015100.4(POGZ):c.1463del (p.Pro488fs)

Gene: POGZ (pogo transposable element derived with ZNF domain; minus strand). Cytogenetic location: 1q21.3.
Variant type: Deletion.
Coding change: c.1463del on transcript NM_015100.4 (MANE Select); coding-DNA position 1463, one base deleted (C; older notation c.1463delC).
Protein change: p.Pro488fs; shifts the reading frame from proline 488.
Molecular consequence: frameshift variant.
Genome position (GRCh38, 1-based): chr1:151,424,009, G deleted on the plus strand (C on the coding strand, the reverse complement: POGZ is on the minus strand); the first of 3 consecutive G bases (chr1:151,424,009-151,424,011); deleting any one gives the same sequence. VCF-style (leftmost placement, unchanged base first): chr1-151424008-AG-A. GRCh37 (hg19) VCF-style: chr1-151396484-AG-A.
Other names: c.1436del, p.Pro479fs (NM_001194937.2); c.1277del, p.Pro426fs (NM_001194938.2); c.1484del, p.Pro495fs (NM_001410860.1); c.1178del, p.Pro393fs (NM_145796.4); c.1304del, p.Pro435fs (NM_207171.2); short protein forms P393fs, P426fs, P435fs, P479fs, P488fs, P495fs.
Identifiers: ClinVar variation 3362249 (VCV003362249.2).